The following is an entry in ClinVar:

NM_020180.4(CELF4):c.1037del (p.Pro346fs)

Gene: CELF4 (CUGBP Elav-like family member 4; minus strand). Cytogenetic location: 18q12.2.
Variant type: Deletion.
Coding change: c.1037del on transcript NM_020180.4 (MANE Select); coding-DNA position 1037, one base deleted (C; older notation c.1037delC).
Protein change: p.Pro346fs; shifts the reading frame from proline 346.
Molecular consequence: frameshift variant. On other transcripts: non-coding transcript variant (11).
Genome position (GRCh38, 1-based): chr18:37,270,830, G deleted on the plus strand (C on the coding strand, the reverse complement: CELF4 is on the minus strand); the first of 6 consecutive G bases (chr18:37,270,830-37,270,835); deleting any one gives the same sequence. VCF-style (leftmost placement, unchanged base first): chr18-37270829-TG-T. GRCh37 (hg19) VCF-style: chr18-34850792-TG-T.
Other names: c.1007del, p.Pro336fs (NM_001353710.2, NM_001353715.2, NM_001353717.2 and 6 more transcripts); c.1001del, p.Pro334fs (NM_001353711.2, NM_001353705.2, NM_001353706.2 and 5 more transcripts); c.1031del, p.Pro344fs (NM_001353712.2, NM_001353716.2, NM_001025088.2 and 2 more transcripts); c.1004del, p.Pro335fs (NM_001353713.2, NM_001353714.2, NM_001353695.2 and 14 more transcripts); c.1034del, p.Pro345fs (NM_001025087.2, NM_001330603.2, NM_001353696.2 and 12 more transcripts); c.1037del, p.Pro346fs (NM_001353708.2, NM_001353731.2, NM_001353734.2 and 6 more transcripts); c.665del, p.Pro222fs (NM_001353756.2, NM_001353761.2); c.638del, p.Pro213fs (NM_001353757.2, NM_001353760.2); and 2 more; short protein forms P212fs, P213fs, P222fs, P334fs, P335fs, P336fs, P344fs, P345fs.
Identifiers: ClinVar variation 3362794 (VCV003362794.2).
Genomic context (GRCh38, chr18:37,270,829, plus strand): 5'-TGGGTAGGGGTGGATGCCATTGGCGAACACAGCTTCCGCAGCAGGTTGCCCATTGGCCTG[TG>T]GGGGGAGGCCGGTGAAGCCATTCACCCCAATGGGGGATGGGATGCTAGGCACGGCTGGTG-3'

ClinVar aggregate classification (germline): Conflicting classifications of pathogenicity. Review status: criteria provided, conflicting classifications (1 of 4 stars). 2 submissions from 2 submitters: Pathogenic (1); Uncertain significance (1). Last evaluated 2025-05-05.

Conditions:
Neurodevelopmental disorder. Identifiers: MedGen C1535926, MeSH D065886, MONDO:0700092.

Submissions (2):

GeneDx
Classification: Pathogenic. Last evaluated: 2025-05-05. Review status: criteria provided, single submitter. Criteria: GeneDx Variant Classification Process June 2021. Collection method: clinical testing. Allele origin: germline. Affected: yes.
Comment: De novo variant with confirmed parentage in a patient with clinical features consistent with CELF4-related neurodevelopmental disorder in the published literature (PMID: 40108438); Frameshift variant predicted to result in protein truncation or nonsense mediated decay in a gene for which loss of function is a known mechanism of disease; Not observed at significant frequency in large population cohorts (gnomAD); This variant is associated with the following publications: (PMID: 40108438)

Equipe Genetique des Anomalies du Developpement, Université de Bourgogne
Classification: Uncertain significance for Neurodevelopmental disorder. Last evaluated: 2024-09-24. Review status: criteria provided, single submitter. Criteria: ACMG Guidelines, 2015. Collection method: research. Allele origin: de novo. Affected: yes.